The following is an entry in ClinVar:

ClinVar aggregate classification (germline): Uncertain significance (0 of 4 stars; one submission).

Conditions:
RANBP17-related disorder. Also called: RANBP17-related condition.

Allele frequency attached by ClinVar (database versions not stated): gnomAD exomes below 0.00001.
gnomAD v4.1: 1 of 1,605,066 alleles (0.000062%); highest among the groups gnomAD compares: Non-Finnish European, 0.000085%; no homozygotes.

Submission:

PreventionGenetics, part of Exact Sciences
Classification: Uncertain significance for RANBP17-related condition. Last evaluated: 2023-10-23. Review status: no assertion criteria provided. Collection method: clinical testing. Allele origin: germline.
Comment: The RANBP17 c.161G>A variant is predicted to result in the amino acid substitution p.Gly54Glu. To our knowledge, this variant has not been reported in the literature or in a large population database, indicating this variant is rare. At this time, the clinical significance of this variant is uncertain due to the absence of conclusive functional and genetic evidence.

NM_022897.5(RANBP17):c.161G>A (p.Gly54Glu)

Gene: RANBP17 (RAN binding protein 17; plus strand). Cytogenetic location: 5q35.1.
Variant type: single nucleotide variant.
Coding change: c.161G>A on transcript NM_022897.5 (MANE Select); coding-DNA position 161, G replaced by A.
Protein change: p.Gly54Glu; replaces glycine 54 with glutamic acid.
Molecular consequence: missense variant.
Genome position (GRCh38, 1-based): chr5:170,878,239, G>A. VCF-style: chr5-170878239-G-A. GRCh37 (hg19) VCF-style: chr5-170305243-G-A.
Other names: short protein forms G54E.
Identifiers: ClinVar variation 3051013 (VCV003051013.2), dbSNP rs781090413, ClinGen allele CA362118059.
Genomic context (GRCh38, chr5:170,878,239, plus strand): 5'-TCTTGGAACTTATTGACAGTCCAGAATGTCTCAGCAAGTGTCAACTTTTATTAGAACAAG[G>A]AACAGTAAGTATTTGGTAACAATGATTAACCATGAAAGATCAGTAGATGTATGTCATTGT-3'
Protein context (NP_075048.1, residues 44-64): LSKCQLLLEQ[Gly54Glu]TTSYAQLLAA